The following is an entry in ClinVar:

NM_178857.6(RP1L1):c.2261C>T (p.Pro754Leu)

Gene: RP1L1 (RP1 like 1). Cytogenetic location: 8p23.1.
Variant type: single nucleotide variant.
Coding change: c.2261C>T on transcript NM_178857.6 (MANE Select); coding-DNA position 2261, C replaced by T.
Protein change: p.Pro754Leu; replaces proline 754 with leucine.
Molecular consequence: missense variant.
Genome position (GRCh38, 1-based): chr8:10,611,837, G>A on the plus strand (C>T on the coding strand, the complement: RP1L1 is on the minus strand). VCF-style: chr8-10611837-G-A. GRCh37 (hg19) VCF-style: chr8-10469347-G-A.
Other names: short protein forms P754L.
Identifiers: ClinVar variation 911577 (VCV000911577.6), dbSNP rs377368052, ClinGen allele CA4624898.

ClinVar aggregate classification (germline): Conflicting classifications of pathogenicity. Review status: criteria provided, conflicting classifications (1 of 4 stars). 3 submissions from 3 submitters: Uncertain significance (1); Likely benign (2). Last evaluated 2026-02-12.

Conditions:
RP1L1-related disorder. Also called: RP1L1-related condition.
Occult macular dystrophy (OCMD). Also called: OCCULT MACULAR DYSTROPHY, SUSCEPTIBILITY TO; OMD. Identifiers: Orphanet 247834, MedGen C3150833, MONDO:0013316, OMIM 613587, HP:0030636.

Allele frequency attached by ClinVar (database versions not stated): gnomAD exomes 0.00004 and 0.00009; ExAC 0.00008; ESP Exome Variant Server 0.00024; gnomAD 0.00026 and 0.00029; TOPMed 0.00032.
gnomAD v4.1: 102 of 1,613,650 alleles (0.0063%); highest among the groups gnomAD compares: African/African-American, 0.081%; no homozygotes.

Submissions (3):

PreventionGenetics, part of Exact Sciences
Classification: Uncertain significance for RP1L1-related condition. Last evaluated: 2026-02-12. Review status: criteria provided, single submitter. Criteria: ACMG Guidelines, 2015. Collection method: clinical testing. Allele origin: germline.
Comment: The RP1L1 c.2261C>T variant is predicted to result in the amino acid substitution p.Pro754Leu. To our knowledge, this variant has not been reported in the literature. This variant is reported in 0.070% of alleles in individuals of African descent in gnomAD. Although we suspect that this variant may be benign, at this time, the clinical significance of this variant is uncertain due to the absence of conclusive functional and genetic evidence.

Blueprint Genetics
Classification: Likely benign. Last evaluated: 2024-02-20. Review status: criteria provided, single submitter. Criteria: ACMG Guidelines, 2015. Collection method: clinical testing. Allele origin: germline.

Illumina Laboratory Services, Illumina
Classification: Likely benign for Occult macular dystrophy. Last evaluated: 2018-01-12. Review status: criteria provided, single submitter. Criteria: ICSL Variant Classification Criteria 13 December 2019. Collection method: clinical testing. Allele origin: germline.
Comment: This variant was observed in the ICSL laboratory as part of a predisposition screen in an ostensibly healthy population. It had not been previously curated by ICSL or reported in the Human Gene Mutation Database (HGMD: prior to June 1st, 2018), and was therefore a candidate for classification through an automated scoring system. Utilizing variant allele frequency, disease prevalence and penetrance estimates, and inheritance mode, an automated score was calculated to assess if this variant is too frequent to cause the disease. Based on the score and internal cut-off values, a variant classified as likely benign is not then subjected to further curation. The score for this variant resulted in a classification of likely benign for this disease.